The following is an entry in ClinVar:

ClinVar aggregate classification (germline): Uncertain significance (1 of 4 stars; one submission).

Allele frequency attached by ClinVar (database versions not stated): TOPMed below 0.00001; gnomAD 0.00001.
gnomAD v4.1: 1 of 1,613,290 alleles (0.000062%); highest among the groups gnomAD compares: Non-Finnish European, 0.000085%; no homozygotes.

Submission:

Labcorp Genetics (formerly Invitae), Labcorp
Classification: Uncertain significance. Last evaluated: 2022-06-03. Review status: criteria provided, single submitter. Criteria: Invitae Variant Classification Sherloc (09022015). Collection method: clinical testing. Allele origin: germline.
Comment: This sequence change replaces threonine, which is neutral and polar, with alanine, which is neutral and non-polar, at codon 1367 of the ADGRV1 protein (p.Thr1367Ala). This variant is not present in population databases (gnomAD no frequency). This variant has not been reported in the literature in individuals affected with ADGRV1-related conditions. Algorithms developed to predict the effect of missense changes on protein structure and function are either unavailable or do not agree on the potential impact of this missense change (SIFT: "Deleterious"; PolyPhen-2: "Benign"; Align-GVGD: "Class C0"). In summary, the available evidence is currently insufficient to determine the role of this variant in disease. Therefore, it has been classified as a Variant of Uncertain Significance.

NM_032119.4(ADGRV1):c.4099A>G (p.Thr1367Ala)

Gene: ADGRV1 (adhesion G protein-coupled receptor V1; plus strand). Cytogenetic location: 5q14.3.
Variant type: single nucleotide variant.
Coding change: c.4099A>G on transcript NM_032119.4 (MANE Select); coding-DNA position 4099, A replaced by G.
Protein change: p.Thr1367Ala; replaces threonine 1367 with alanine.
Molecular consequence: missense variant. On other transcripts: non-coding transcript variant (1).
Genome position (GRCh38, 1-based): chr5:90,653,673, A>G. VCF-style: chr5-90653673-A-G. GRCh37 (hg19) VCF-style: chr5-89949490-A-G.
Other names: short protein forms T1367A.
Identifiers: ClinVar variation 1994098 (VCV001994098.1), dbSNP rs1421161904, ClinGen allele CA360401363.